The following is an entry in ClinVar:

ClinVar aggregate classification (germline): Likely benign (1 of 4 stars; one submission).

Conditions:
VCL-related disorder. Also called: VCL-related condition.

Submission:

PreventionGenetics, part of Exact Sciences
Classification: Likely benign for VCL-related condition. Last evaluated: 2025-12-03. Review status: criteria provided, single submitter. Criteria: ACMG Guidelines, 2015. Collection method: clinical testing. Allele origin: germline.
Comment: This variant is classified as likely benign based on ACMG/AMP sequence variant interpretation guidelines (Richards et al. 2015 PMID: 25741868, with internal and published modifications).

NM_014000.3(VCL):c.372T>C (p.Leu124=)

Gene: VCL (vinculin; plus strand). Cytogenetic location: 10q22.2.
Variant type: single nucleotide variant.
Coding change: c.372T>C on transcript NM_014000.3 (MANE Select); coding-DNA position 372, T replaced by C.
Protein change: p.Leu124=; no amino-acid change (leucine 124 retained).
Molecular consequence: synonymous variant.
Genome position (GRCh38, 1-based): chr10:74,070,802, T>C. VCF-style: chr10-74070802-T-C. GRCh37 (hg19) VCF-style: chr10-75830560-T-C.
Other names: c.372T>C, p.Leu124= (NM_003373.4).
Identifiers: ClinVar variation 4983038 (VCV004983038.1).